The following is an entry in ClinVar:

NM_030632.3(ASXL3):c.3750_3753del (p.Lys1250fs)

Gene: ASXL3 (ASXL transcriptional regulator 3; plus strand). Cytogenetic location: 18q12.1.
Variant type: Deletion.
Coding change: c.3750_3753del on transcript NM_030632.3 (MANE Select); coding-DNA positions 3750 to 3753, 4 bases deleted (AGAA; older notation c.3750_3753delAGAA).
Protein change: p.Lys1250fs; shifts the reading frame from lysine 1250.
Molecular consequence: frameshift variant.
Genome position (GRCh38, 1-based): chr18:33,743,598-33,743,601, AGAA deleted; deleting any 4 consecutive bases within chr18:33,743,596-33,743,601 gives the same sequence; the c. name uses the placement nearest the transcript's 3' end. VCF-style (leftmost placement, unchanged base first): chr18-33743595-TAAAG-T. GRCh37 (hg19) VCF-style: chr18-31323559-TAAAG-T.
Other names: short protein forms K1250fs.
Identifiers: ClinVar variation 1215469 (VCV001215469.4), dbSNP rs2145425479, ClinGen allele CA658653547.

ClinVar aggregate classification (germline): Pathogenic (1 of 4 stars; one submission).

Submission:

GeneDx
Classification: Pathogenic. Last evaluated: 2023-07-05. Review status: criteria provided, single submitter. Criteria: GeneDx Variant Classification Process June 2021. Collection method: clinical testing. Allele origin: germline. Affected: yes.
Comment: Frameshift variant predicted to result in protein truncation, as the last 999 amino acids are replaced with 4 different amino acids, and other loss-of-function variants have been reported downstream in HGMD; Not observed at significant frequency in large population cohorts (gnomAD); Has not been previously published as pathogenic or benign to our knowledge